The following is an entry in ClinVar:

NM_134261.3(RORA):c.573C>G (p.Asn191Lys)

Genes: RORA (RAR related orphan receptor A; minus strand), RORA-AS1 (RORA antisense RNA 1; plus strand). Cytogenetic location: 15q22.2.
Variant type: single nucleotide variant.
Coding change: c.573C>G on transcript NM_134261.3 (MANE Select); coding-DNA position 573, C replaced by G.
Protein change: p.Asn191Lys; replaces asparagine 191 with lysine.
Molecular consequence: missense variant.
Genome position (GRCh38, 1-based): chr15:60,511,473, G>C on the plus strand (C>G on the coding strand, the complement: RORA is on the minus strand). VCF-style: chr15-60511473-G-C. GRCh37 (hg19) VCF-style: chr15-60803672-G-C.
Other names: c.648C>G, p.Asn216Lys (NM_002943.4); c.672C>G, p.Asn224Lys (NM_134260.3); c.408C>G, p.Asn136Lys (NM_134262.3); short protein forms N136K, N191K, N216K, N224K.
Identifiers: ClinVar variation 3372839 (VCV003372839.2).

ClinVar aggregate classification (germline): Uncertain significance (1 of 4 stars; one submission).

gnomAD v4.1: 1 of 1,614,064 alleles (0.000062%); highest among the groups gnomAD compares: Non-Finnish European, 0.000085%; no homozygotes.

Submission:

GeneDx
Classification: Uncertain significance. Last evaluated: 2025-08-11. Review status: criteria provided, single submitter. Criteria: GeneDx Variant Classification Process June 2021. Collection method: clinical testing. Allele origin: germline. Affected: yes.
Comment: Not observed at significant frequency in large population cohorts (gnomAD); In silico analysis indicates that this missense variant does not alter protein structure/function; Has not been previously published as pathogenic or benign to our knowledge